The following is an entry in ClinVar:

NM_181426.2(CCDC39):c.514A>G (p.Arg172Gly)

Gene: CCDC39 (coiled-coil domain 39 molecular ruler complex subunit; minus strand). Cytogenetic location: 3q26.33.
Variant type: single nucleotide variant.
Coding change: c.514A>G on transcript NM_181426.2 (MANE Select); coding-DNA position 514, A replaced by G.
Protein change: p.Arg172Gly; replaces arginine 172 with glycine.
Molecular consequence: missense variant.
Genome position (GRCh38, 1-based): chr3:180,660,572, T>C on the plus strand (A>G on the coding strand, the complement: CCDC39 is on the minus strand). VCF-style: chr3-180660572-T-C. GRCh37 (hg19) VCF-style: chr3-180378360-T-C.
Other names: short protein forms R172G.
Identifiers: ClinVar variation 1396592 (VCV001396592.7), dbSNP rs757331133, ClinGen allele CA2716162.

ClinVar aggregate classification (germline): Uncertain significance (1 of 4 stars; one submission).

Conditions:
Primary ciliary dyskinesia. Also called: Ciliary dyskinesia. Identifiers: Orphanet 244, MedGen C0008780, MONDO:0016575, HP:0012265.

Allele frequency attached by ClinVar (database versions not stated): gnomAD exomes below 0.00001; ExAC 0.00002.
gnomAD v4.1: 7 of 1,572,780 alleles (0.00045%); highest among the groups gnomAD compares: Non-Finnish European, 0.00052%; no homozygotes.

Submission:

Labcorp Genetics (formerly Invitae), Labcorp
Classification: Uncertain significance for Primary ciliary dyskinesia. Last evaluated: 2022-02-05. Review status: criteria provided, single submitter. Criteria: Invitae Variant Classification Sherloc (09022015). Collection method: clinical testing. Allele origin: germline.
Comment: In summary, the available evidence is currently insufficient to determine the role of this variant in disease. Therefore, it has been classified as a Variant of Uncertain Significance. Algorithms developed to predict the effect of missense changes on protein structure and function are either unavailable or do not agree on the potential impact of this missense change (SIFT: "Deleterious"; PolyPhen-2: "Benign"; Align-GVGD: "Class C0"). This variant has not been reported in the literature in individuals affected with CCDC39-related conditions. The frequency data for this variant in the population databases is considered unreliable, as metrics indicate poor data quality at this position in the gnomAD database. This sequence change replaces arginine, which is basic and polar, with glycine, which is neutral and non-polar, at codon 172 of the CCDC39 protein (p.Arg172Gly).